The following is an entry in ClinVar:

NM_001437.3(ESR2):c.1302C>T (p.Thr434=)

Gene: ESR2 (estrogen receptor 2; minus strand). Cytogenetic location: 14q23.2.
Variant type: single nucleotide variant.
Coding change: c.1302C>T on transcript NM_001437.3 (MANE Select); coding-DNA position 1302, C replaced by T.
Protein change: p.Thr434=; no amino-acid change (threonine 434 retained).
Molecular consequence: synonymous variant. On other transcripts: non-coding transcript variant (2).
Genome position (GRCh38, 1-based): chr14:64,235,074, G>A on the plus strand (C>T on the coding strand, the complement: ESR2 is on the minus strand). VCF-style: chr14-64235074-G-A. GRCh37 (hg19) VCF-style: chr14-64701792-G-A.
Other names: c.1302C>T (NM_001437.2); c.1302C>T, p.Thr434= (NM_001040275.1, NM_001214902.1, NM_001271876.1 and 2 more transcripts); c.1029C>T, p.Thr343= (NM_001271877.1).
Identifiers: ClinVar variation 2909321 (VCV002909321.6), dbSNP rs368248753, ClinGen allele CA7225238.

ClinVar aggregate classification (germline): Likely benign. Review status: criteria provided, multiple submitters, no conflicts (2 of 4 stars). 3 submissions from 3 submitters: Likely benign (2). 1 of the submissions does not count toward it. Last evaluated 2025-05-27.

Conditions:
ESR2-related disorder. Also called: ESR2-related condition.

Allele frequency attached by ClinVar (database versions not stated): ExAC 0.00005; gnomAD 0.00011; gnomAD exomes 0.00005; ESP Exome Variant Server 0.00008.
gnomAD v4.1: 97 of 1,614,064 alleles (0.006%); highest among the groups gnomAD compares: Admixed American, 0.035%; 2 homozygotes.

Submissions (3):

Labcorp Genetics (formerly Invitae), Labcorp
Classification: Likely benign. Last evaluated: 2025-05-27. Review status: criteria provided, single submitter. Criteria: Invitae Variant Classification Sherloc (09022015). Collection method: clinical testing. Allele origin: germline.

Breakthrough Genomics
Classification: Likely benign. Review status: criteria provided, single submitter. Criteria: ACMG Guidelines, 2015. Collection method: not provided. Allele origin: germline. Inheritance: Autosomal dominant inheritance. Affected: yes.

PreventionGenetics, part of Exact Sciences
Classification: Likely benign for ESR2-related condition. Last evaluated: 2019-09-18. Review status: no assertion criteria provided. Collection method: clinical testing. Allele origin: germline. Not counted in ClinVar's aggregate classification.
Comment: This variant is classified as likely benign based on ACMG/AMP sequence variant interpretation guidelines (Richards et al. 2015 PMID: 25741868, with internal and published modifications).